The following is an entry in ClinVar:

NM_015335.5(MED13L):c.4386C>A (p.Asp1462Glu)

Gene: MED13L (mediator complex subunit 13L; minus strand). Cytogenetic location: 12q24.21.
Variant type: single nucleotide variant.
Coding change: c.4386C>A on transcript NM_015335.5 (MANE Select); coding-DNA position 4386, C replaced by A.
Protein change: p.Asp1462Glu; replaces aspartic acid 1462 with glutamic acid.
Molecular consequence: missense variant.
Genome position (GRCh38, 1-based): chr12:115,984,325, G>T on the plus strand (C>A on the coding strand, the complement: MED13L is on the minus strand). VCF-style: chr12-115984325-G-T. GRCh37 (hg19) VCF-style: chr12-116422130-G-T.
Other names: short protein forms D1462E.
Identifiers: ClinVar variation 2431501 (VCV002431501.1), dbSNP rs760971347, ClinGen allele CA386883755.

ClinVar aggregate classification (germline): Uncertain significance (1 of 4 stars; one submission).

Conditions:
Cardiac anomalies - developmental delay - facial dysmorphism syndrome (MRFACD). Also called: Impaired intellectual development and distinctive facial features with or without cardiac defects; MED13L Syndrome. Identifiers: Orphanet 369891, MedGen C5192431, MONDO:0014773, OMIM 616789.

Submission:

Laboratorio de Genetica e Diagnostico Molecular, Hospital Israelita Albert Einstein
Classification: Uncertain significance for Cardiac anomalies - developmental delay - facial dysmorphism syndrome. Last evaluated: 2022-06-20. Review status: criteria provided, single submitter. Criteria: ACMG Guidelines, 2015. Collection method: clinical testing. Allele origin: germline. Affected: yes. Observed: 1 variant allele.
Comment: ACMG classification criteria: PM2 moderated